The following is an entry in ClinVar:

ClinVar aggregate classification (germline): Uncertain significance (1 of 4 stars; one submission).

Conditions:
ADCY3-related disorder. Also called: ADCY3-related condition.

gnomAD v4.1: 1 of 1,614,096 alleles (0.000062%); highest among the groups gnomAD compares: Non-Finnish European, 0.000085%; no homozygotes.

Submission:

PreventionGenetics, part of Exact Sciences
Classification: Uncertain significance for ADCY3-related condition. Last evaluated: 2025-01-19. Review status: criteria provided, single submitter. Criteria: ACMG Guidelines, 2015. Collection method: clinical testing. Allele origin: germline.
Comment: The ADCY3 c.302C>G variant is predicted to result in the amino acid substitution p.Ser101Cys. To our knowledge, this variant has not been reported in the literature. This variant is reported in 0.00088% of alleles in individuals of European (Non-Finnish) descent in gnomAD. At this time, the clinical significance of this variant is uncertain due to the absence of conclusive functional and genetic evidence.

NM_004036.5(ADCY3):c.302C>G (p.Ser101Cys)

Gene: ADCY3 (adenylate cyclase 3; minus strand). Cytogenetic location: 2p23.3.
Variant type: single nucleotide variant.
Coding change: c.302C>G on transcript NM_004036.5 (MANE Select); coding-DNA position 302, C replaced by G.
Protein change: p.Ser101Cys; replaces serine 101 with cysteine.
Molecular consequence: missense variant.
Genome position (GRCh38, 1-based): chr2:24,918,686, G>C on the plus strand (C>G on the coding strand, the complement: ADCY3 is on the minus strand). VCF-style: chr2-24918686-G-C. GRCh37 (hg19) VCF-style: chr2-25141555-G-C.
Other names: c.302C>G, p.Ser101Cys (NM_001320613.2, NM_001377128.1, NM_001377129.1 and 2 more transcripts); short protein forms S101C.
Identifiers: ClinVar variation 4999353 (VCV004999353.1).